The following is an entry in ClinVar:

ClinVar aggregate classification (germline): Uncertain significance (1 of 4 stars; one submission).

Conditions:
Hereditary cancer-predisposing syndrome. Also called: Neoplastic Syndromes, Hereditary; Tumor predisposition; Hereditary neoplastic syndrome; Hereditary Cancer Syndrome. Identifiers: Orphanet 140162, MedGen C0027672, MeSH D009386, MONDO:0015356.

Submission:

Ambry Genetics
Classification: Uncertain significance for Hereditary cancer-predisposing syndrome. Last evaluated: 2026-09-08. Review status: criteria provided, single submitter. Criteria: Ambry Variant Classification Scheme 2023. Collection method: clinical testing. Allele origin: germline.
Comment: The p.I2043M variant (also known as c.6129A>G), located in coding exon 15 of the APC gene, results from an A to G substitution at nucleotide position 6129. The isoleucine at codon 2043 is replaced by methionine, an amino acid with highly similar properties. This amino acid position is conserved. In addition, in silico predictors for this gene do not accurately predict pathogenicity. Based on the available evidence, the clinical significance of this variant remains unclear.

NM_000038.6(APC):c.6129A>G (p.Ile2043Met)

Gene: APC (APC regulator of Wnt signaling pathway; plus strand). Cytogenetic location: 5q22.2.
Variant type: single nucleotide variant.
Coding change: c.6129A>G on transcript NM_000038.6 (MANE Select); coding-DNA position 6129, A replaced by G.
Protein change: p.Ile2043Met; replaces isoleucine 2043 with methionine.
Molecular consequence: missense variant. On other transcripts: non-coding transcript variant (2).
Genome position (GRCh38, 1-based): chr5:112,841,723, A>G. VCF-style: chr5-112841723-A-G. GRCh37 (hg19) VCF-style: chr5-112177420-A-G.
Other names: c.6129A>G, p.Ile2043Met (NM_001127510.3, NM_001354895.2, NM_001407450.1); c.6075A>G, p.Ile2025Met (NM_001127511.3); c.6183A>G, p.Ile2061Met (NM_001354896.2, NM_001407447.1, NM_001407448.1 and 1 more transcripts); c.6159A>G, p.Ile2053Met (NM_001354897.2); c.6054A>G, p.Ile2018Met (NM_001354898.2); c.6045A>G, p.Ile2015Met (NM_001354899.2); c.6006A>G, p.Ile2002Met (NM_001354900.2); c.5952A>G, p.Ile1984Met (NM_001354901.2, NM_001407453.1); and 11 more; short protein forms I1942M, I2015M, I2033M, I2043M, I1659M, I1917M, I2036M, I2071M.
Identifiers: ClinVar variation 5024501 (VCV005024501.1).
Genomic context (GRCh38, chr5:112,841,723, plus strand): 5'-AAACAGTTCTCTCAGTTCTCTTAGTATTGACTCTGAAGATGACCTGTTGCAGGAATGTAT[A>G]AGCTCCGCAATGCCAAAAAAGAAAAAGCCTTCAAGACTCAAGGGTGATAATGAAAAACAT-3'
Protein context (NP_000029.2, residues 2033-2053): DSEDDLLQEC[Ile2043Met]SSAMPKKKKP